The following is an entry in ClinVar:

ClinVar aggregate classification (germline): Pathogenic (1 of 4 stars; one submission).

Submission:

Labcorp Genetics (formerly Invitae), Labcorp
Classification: Pathogenic. Last evaluated: 2025-03-24. Review status: criteria provided, single submitter. Criteria: Invitae Variant Classification Sherloc (09022015). Collection method: clinical testing. Allele origin: germline.
Comment: This sequence change creates a premature translational stop signal (p.Phe426Serfs*70) in the KCNQ4 gene. It is expected to result in an absent or disrupted protein product. Loss-of-function variants in KCNQ4 are known to be pathogenic (PMID: 23717403). This variant is present in population databases (no rsID available, gnomAD 0.005%). This variant has not been reported in the literature in individuals affected with KCNQ4-related conditions. For these reasons, this variant has been classified as Pathogenic.

Literature cited by the submitters: PubMed 23717403.

NM_004700.4(KCNQ4):c.1277del (p.Phe426fs)

Gene: KCNQ4 (potassium voltage-gated channel subfamily Q member 4; plus strand). Cytogenetic location: 1p34.2.
Variant type: Deletion.
Coding change: c.1277del on transcript NM_004700.4 (MANE Select); coding-DNA position 1277, one base deleted (T; older notation c.1277delT).
Protein change: p.Phe426fs; shifts the reading frame from phenylalanine 426.
Molecular consequence: frameshift variant. On other transcripts: intron variant (1).
Genome position (GRCh38, 1-based): chr1:40,824,243, T deleted; the last of 2 consecutive T bases (chr1:40,824,242-40,824,243); deleting either gives the same sequence. VCF-style (leftmost placement, unchanged base first): chr1-40824241-CT-C. GRCh37 (hg19) VCF-style: chr1-41289913-CT-C.
Other names: c.1130+1841del (NM_172163.3); short protein forms F426fs.
Identifiers: ClinVar variation 4769745 (VCV004769745.1).